The following is an entry in ClinVar:

ClinVar aggregate classification (germline): Uncertain significance (1 of 4 stars; one submission).

gnomAD v4.1: 1 of 1,613,118 alleles (0.000062%); highest among the groups gnomAD compares: Non-Finnish European, 0.000085%; no homozygotes.

Submission:

Dasa
Classification: Uncertain significance. Last evaluated: 2025-07-03. Review status: criteria provided, single submitter. Criteria: DASA Assertion Criteria. Collection method: clinical testing. Allele origin: germline.
Comment: NM_001001331.4(ATP2B2):c.1902-6C>G is a splice-region variant. This variant is rare in population databases. Computational prediction algorithms are consistent with a benign effect. The currently available literature and clinical evidence are not sufficient to establish a definitive association between this variant and the reported condition. Therefore, this variant is classified as a variant of uncertain significance.

NM_001001331.4(ATP2B2):c.1902-6C>G

Gene: ATP2B2 (ATPase plasma membrane Ca2+ transporting 2; minus strand). Cytogenetic location: 3p25.3.
Variant type: single nucleotide variant.
Coding change: c.1902-6C>G on transcript NM_001001331.4 (MANE Select); 6 bases into the intron before coding-DNA position 1902, C replaced by G.
Molecular consequence: intron variant.
Genome position (GRCh38, 1-based): chr3:10,358,931, G>C on the plus strand (C>G on the coding strand, the complement: ATP2B2 is on the minus strand). VCF-style: chr3-10358931-G-C. GRCh37 (hg19) VCF-style: chr3-10400615-G-C.
Other names: c.1767-6C>G (NM_001438036.1, NM_001353564.1, NM_001683.5 and 2 more transcripts); c.1809-6C>G (NM_001438646.1).
Identifiers: ClinVar variation 4885402 (VCV004885402.2).
Genomic context (GRCh38, chr3:10,358,931, plus strand): 5'-GTCGCGGGGCCGGAAGACACGAGGCTCTCCCGCCCCATTGAGGATTTTGCAGCACCTAGG[G>C]GAGGATGGAAGGGAGATGGGGAGCCCAGGGAATGCTCCTTCTGAAAGGCTTAGAGACCAC-3'